The following is an entry in ClinVar:

ClinVar aggregate classification (germline): Likely benign. Review status: criteria provided, single submitter (1 of 4 stars). 2 submissions from 2 submitters: Likely benign (1). 1 of the submissions does not count toward it. Last evaluated 2024-05-12.

Conditions:
UTP4-related disorder. Also called: UTP4-related condition.

Allele frequency attached by ClinVar (database versions not stated): ExAC 0.00010; 1000 Genomes Project 0.00020; 1000 Genomes Project 30x 0.00031.
gnomAD v4.1: 51 of 1,613,512 alleles (0.0032%); highest among the groups gnomAD compares: Admixed American, 0.052%; no homozygotes.

Submissions (2):

Labcorp Genetics (formerly Invitae), Labcorp
Classification: Likely benign. Last evaluated: 2024-05-12. Review status: criteria provided, single submitter. Criteria: Invitae Variant Classification Sherloc (09022015). Collection method: clinical testing. Allele origin: germline.

PreventionGenetics, part of Exact Sciences
Classification: Likely benign for UTP4-related condition. Last evaluated: 2021-04-07. Review status: no assertion criteria provided. Collection method: clinical testing. Allele origin: germline. Not counted in ClinVar's aggregate classification.
Comment: This variant is classified as likely benign based on ACMG/AMP sequence variant interpretation guidelines (Richards et al. 2015 PMID: 25741868, with internal and published modifications).

NM_032830.3(UTP4):c.1629C>T (p.Ile543=)

Gene: UTP4 (UTP4 small subunit processome component). Cytogenetic location: 16q22.1.
Variant type: single nucleotide variant.
Coding change: c.1629C>T on transcript NM_032830.3 (MANE Select); coding-DNA position 1629, C replaced by T.
Protein change: p.Ile543=; no amino-acid change (isoleucine 543 retained).
Molecular consequence: synonymous variant.
Genome position (GRCh38, 1-based): chr16:69,163,160, C>T. VCF-style: chr16-69163160-C-T. GRCh37 (hg19) VCF-style: chr16-69197063-C-T.
Other names: c.1380C>T, p.Ile460= (NM_001318391.2).
Identifiers: ClinVar variation 3031866 (VCV003031866.4), dbSNP rs554592005, ClinGen allele CA8132490.
Genomic context (GRCh38, chr16:69,163,160, plus strand): 5'-TGCTTACAATTTCCCAGTGACTGCTATGGCTATTGCCCCCAATACCAACAACCTTGTCAT[C>T]GCTCATTCGGACCAGCAGGTAAGGGAGATTCCAGTGCTTTCTATTCCCTTCCTGCTGGAT-3'
Protein context (NP_116219.2, residues 533-553): AIAPNTNNLV[Ile543=]AHSDQQVFEY